The following is an entry in ClinVar:

ClinVar aggregate classification (germline): Uncertain significance (1 of 4 stars; one submission).

Conditions:
Familial adenomatous polyposis 1 (FAP1). Also called: FAMILIAL ADENOMATOUS POLYPOSIS 1, ATTENUATED; POLYPOSIS, ADENOMATOUS INTESTINAL. Identifiers: MedGen C2713442, MONDO:0021056, OMIM 175100. Disease mechanism: loss of function.

Submission:

Labcorp Genetics (formerly Invitae), Labcorp
Classification: Uncertain significance for Familial adenomatous polyposis 1. Last evaluated: 2024-09-30. Review status: criteria provided, single submitter. Criteria: Invitae Variant Classification Sherloc (09022015). Collection method: clinical testing. Allele origin: germline.
Comment: This variant, c.3250_3252del, results in the deletion of 1 amino acid(s) of the APC protein (p.Asp1084del), but otherwise preserves the integrity of the reading frame. This variant is not present in population databases (gnomAD no frequency). This variant has not been reported in the literature in individuals affected with APC-related conditions. Experimental studies and prediction algorithms are not available or were not evaluated, and the functional significance of this variant is currently unknown. In summary, the available evidence is currently insufficient to determine the role of this variant in disease. Therefore, it has been classified as a Variant of Uncertain Significance.

NM_000038.6(APC):c.3247GAT[1] (p.Asp1084del)

Gene: APC (APC regulator of Wnt signaling pathway; plus strand). Cytogenetic location: 5q22.2.
Variant type: Microsatellite.
Coding change: c.3247GAT[1] on transcript NM_000038.6 (MANE Select); one copy of the 3-base unit GAT starting at c.3247; the reference has two copies in a row; one copy, 3 bases deleted.
Protein change: p.Asp1084del; deletes aspartic acid 1084.
Molecular consequence: non-coding transcript variant (on NR_176365.1).
Genome position (GRCh38, 1-based): chr5:112,838,844-112,838,846, GAT deleted; deleting any 3 consecutive bases within chr5:112,838,840-112,838,846 gives the same sequence; the position shown is the placement nearest the transcript's 3' end. VCF-style (leftmost placement, unchanged base first): chr5-112838839-CTGA-C. GRCh37 (hg19) VCF-style: chr5-112174536-CTGA-C.
Other names: c.3247GAT[1], p.Asp1084del (NM_001127510.3, NM_001354895.2, NM_001407450.1); c.3193GAT[1], p.Asp1066del (NM_001127511.3); c.3301GAT[1], p.Asp1102del (NM_001354896.2, NM_001407447.1, NM_001407448.1 and 1 more transcripts); c.3277GAT[1], p.Asp1094del (NM_001354897.2); c.3172GAT[1], p.Asp1059del (NM_001354898.2); c.3163GAT[1], p.Asp1056del (NM_001354899.2); c.3124GAT[1], p.Asp1043del (NM_001354900.2); c.3070GAT[1], p.Asp1025del (NM_001354901.2, NM_001407453.1); and 11 more; short protein forms D1043del, D1074del, D955del, D1001del, D1077del, D1084del, D1094del, D1112del.
Identifiers: ClinVar variation 3721864 (VCV003721864.2).
Genomic context (GRCh38, chr5:112,838,839, plus strand): 5'-AAAGTGAGCAAAGACAATCAAGGAATCAAAGTACAACTTATCCTGTTTATACTGAGAGCA[CTGA>C]TGATAAACACCTCAAGTTCCAACCACATTTTGGACAGCAGGAATGTGTTTCTCCATACAG-3'